The following is an entry in ClinVar:

ClinVar aggregate classification (germline): Benign/Likely benign. Review status: criteria provided, multiple submitters, no conflicts (2 of 4 stars). 3 submissions from 3 submitters: Benign (1); Likely benign (2). Last evaluated 2024-11-30.

Conditions:
Inborn genetic diseases. Identifiers: MedGen C0950123, MeSH D030342.
Neonatal insulin-dependent diabetes mellitus. Identifiers: MedGen C3278636, HP:0000857.

gnomAD v4.1: 446 of 1,612,246 alleles (0.028%); highest among the groups gnomAD compares: Non-Finnish European, 0.034%; no homozygotes.

Submissions (3):

Labcorp Genetics (formerly Invitae), Labcorp
Classification: Likely benign. Last evaluated: 2024-11-30. Review status: criteria provided, single submitter. Criteria: Invitae Variant Classification Sherloc (09022015). Collection method: clinical testing. Allele origin: germline.

Ambry Genetics
Classification: Likely benign for Inborn genetic diseases. Last evaluated: 2022-11-27. Review status: criteria provided, single submitter. Criteria: Ambry Variant Classification Scheme 2023. Collection method: clinical testing. Allele origin: germline.

Clinical Genomics, Uppaluri K&H Personalized Medicine Clinic
Classification: Benign for Neonatal insulin-dependent diabetes mellitus. Review status: criteria provided, single submitter. Criteria: K & H Uppaluri Personalized Medicine Clinic Variant Classification & Assertion Criteria_Updated V.1. Collection method: research. Allele origin: unknown.
Comment: Mutations in INS gene can cause early onset diabetes mellitus which is insulin dependent. May have poor response to sulfonylureas, as this mutation can cause beta cell destruction. However no sufficient evidence is found to ascertain the role of this particular variant rs773789432, yet.

Literature cited by the submitters: PubMed 11921414 (cited by Clinical Genomics, Uppaluri K&H Personalized Medicine Clinic); PubMed 25542748 (cited by Clinical Genomics, Uppaluri K&H Personalized Medicine Clinic); PubMed 26101329 (cited by Clinical Genomics, Uppaluri K&H Personalized Medicine Clinic); PubMed 18171712 (cited by Clinical Genomics, Uppaluri K&H Personalized Medicine Clinic).

NM_000207.3(INS):c.153A>C (p.Thr51=)

Genes: INS (insulin; minus strand), INS-IGF2 (INS-IGF2 readthrough; minus strand). Cytogenetic location: 11p15.5.
Variant type: single nucleotide variant.
Coding change: c.153A>C on transcript NM_000207.3 (MANE Select); coding-DNA position 153, A replaced by C.
Protein change: p.Thr51=; no amino-acid change (threonine 51 retained).
Molecular consequence: synonymous variant. On other transcripts: non-coding transcript variant (1).
Genome position (GRCh38, 1-based): chr11:2,160,819, T>G on the plus strand (A>C on the coding strand, the complement: INS is on the minus strand). VCF-style: chr11-2160819-T-G. GRCh37 (hg19) VCF-style: chr11-2182049-T-G.
Other names: c.153A>C, p.Thr51= (NM_001185097.2, NM_001185098.2, NM_001291897.2 and 1 more transcripts).
Identifiers: ClinVar variation 1801851 (VCV001801851.8), dbSNP rs773789432, ClinGen allele CA5818183.